The following is an entry in ClinVar:

NM_000142.5(FGFR3):c.1534+6G>C

Gene: FGFR3 (fibroblast growth factor receptor 3; plus strand). Cytogenetic location: 4p16.3.
Variant type: single nucleotide variant.
Coding change: c.1534+6G>C on transcript NM_000142.5 (MANE Select); 6 bases into the intron after coding-DNA position 1534, G replaced by C.
Molecular consequence: intron variant.
Genome position (GRCh38, 1-based): chr4:1,805,482, G>C. VCF-style: chr4-1805482-G-C. GRCh37 (hg19) VCF-style: chr4-1807209-G-C.
Other names: c.1540+6G>C (NM_001163213.2); c.1537+6G>C (NM_001354809.2, NM_001354810.2); c.1198+6G>C (NM_022965.4).
Identifiers: ClinVar variation 465346 (VCV000465346.11), dbSNP rs1213940166, ClinGen allele CA549266726.
Genomic context (GRCh38, chr4:1,805,482, plus strand): 5'-ATTGACAAGGACCGGGCCGCCAAGCCTGTCACCGTAGCCGTGAAGATGCTGAAAGGTGAG[G>C]AGGGGGCGGCCAGGGGTGCAGAGCAGGGCTGGGGGCGCCGCCGCCGCCTGACACAGGCCC-3'

ClinVar aggregate classification (germline): Conflicting classifications of pathogenicity. Review status: criteria provided, conflicting classifications (1 of 4 stars). 2 submissions from 2 submitters: Uncertain significance (1); Likely benign (1). Last evaluated 2023-09-10.

Allele frequency attached by ClinVar (database versions not stated): gnomAD 0.00003; gnomAD exomes 0.00001; TOPMed 0.00002.
gnomAD v4.1: 24 of 1,612,050 alleles (0.0015%); highest among the groups gnomAD compares: Non-Finnish European, 0.0019%; no homozygotes.

Submissions (2):

Labcorp Genetics (formerly Invitae), Labcorp
Classification: Uncertain significance. Last evaluated: 2023-09-10. Review status: criteria provided, single submitter. Criteria: Invitae Variant Classification Sherloc (09022015). Collection method: clinical testing. Allele origin: germline.
Comment: This sequence change falls in intron 11 of the FGFR3 gene. It does not directly change the encoded amino acid sequence of the FGFR3 protein. It affects a nucleotide within the consensus splice site. In summary, the available evidence is currently insufficient to determine the role of this variant in disease. Therefore, it has been classified as a Variant of Uncertain Significance. Variants that disrupt the consensus splice site are a relatively common cause of aberrant splicing (PMID: 17576681, 9536098). Algorithms developed to predict the effect of sequence changes on RNA splicing suggest that this variant is not likely to affect RNA splicing. ClinVar contains an entry for this variant (Variation ID: 465346). This variant has not been reported in the literature in individuals affected with FGFR3-related conditions. This variant is present in population databases (no rsID available, gnomAD 0.003%).

Blueprint Genetics
Classification: Likely benign. Last evaluated: 2021-03-18. Review status: criteria provided, single submitter. Criteria: ACMG Guidelines, 2015. Collection method: clinical testing. Allele origin: germline.

Literature cited by the submitters: PubMed 17576681 (cited by Labcorp Genetics (formerly Invitae), Labcorp); PubMed 9536098 (cited by Labcorp Genetics (formerly Invitae), Labcorp).